The following is an entry in ClinVar:

NC_012920.1(MT-ND2):m.4722A>G

Gene: MT-ND2 (mitochondrially encoded NADH dehydrogenase 2; plus strand).
Variant type: single nucleotide variant.
Genome position: chrM-4722-A-G.
Identifiers: ClinVar variation 692487 (VCV000692487.1), dbSNP rs1569483952, ClinGen allele CA414775494.

ClinVar aggregate classification (germline): Benign (1 of 4 stars; one submission).

Conditions:
Leigh syndrome (NULS). Also called: Leigh's necrotizing encephalopathy; Leigh's disease; Leigh Syndrome (mtDNA deletion); Leigh Disease; Subacute necrotizing encephalopathy; Necrotizing encephalopathy infantile subacute of Leigh. Identifiers: Orphanet 506, MedGen C2931891, MONDO:0009723, OMIM 256000.

Submission:

Wong Mito Lab, Molecular and Human Genetics, Baylor College of Medicine
Classification: Benign for Leigh syndrome. Last evaluated: 2019-10-17. Review status: criteria provided, single submitter. Criteria: Modified ACMG Guidelines (Unpublished). Collection method: clinical testing. Allele origin: germline.
Comment: The NC_012920.1:m.4722A>G (YP_003024027.1:p.Thr85Ala) variant in MTND2 gene is interpretated to be a Benign variant based on the modified ACMG guidelines (unpublished). This variant meets the following evidence codes: BS1, BS2, BP4